The following is an entry in ClinVar:

ClinVar aggregate classification (germline): Uncertain significance (1 of 4 stars; one submission).

Allele frequency attached by ClinVar (database versions not stated): gnomAD 0.00001; TOPMed 0.00001; gnomAD exomes 0.00002.
gnomAD v4.1: 24 of 1,614,136 alleles (0.0015%); highest among the groups gnomAD compares: Admixed American, 0.0033%; no homozygotes.

Submission:

Labcorp Genetics (formerly Invitae), Labcorp
Classification: Uncertain significance. Last evaluated: 2026-01-05. Review status: criteria provided, single submitter. Criteria: Invitae Variant Classification Sherloc (09022015). Collection method: clinical testing. Allele origin: germline.
Comment: This sequence change replaces serine, which is neutral and polar, with threonine, which is neutral and polar, at codon 209 of the PIGV protein (p.Ser209Thr). This variant is present in population databases (no rsID available, gnomAD 0.003%). This variant has not been reported in the literature in individuals affected with PIGV-related conditions. ClinVar contains an entry for this variant (Variation ID: 659269). Invitae Evidence Modeling of protein sequence and biophysical properties (such as structural, functional, and spatial information, amino acid conservation, physicochemical variation, residue mobility, and thermodynamic stability) indicates that this missense variant is not expected to disrupt PIGV protein function with a negative predictive value of 95%. In summary, the available evidence is currently insufficient to determine the role of this variant in disease. Therefore, it has been classified as a Variant of Uncertain Significance.

NM_017837.4(PIGV):c.626G>C (p.Ser209Thr)

Gene: PIGV (phosphatidylinositol glycan anchor biosynthesis class V; plus strand). Cytogenetic location: 1p36.11.
Variant type: single nucleotide variant.
Coding change: c.626G>C on transcript NM_017837.4 (MANE Select); coding-DNA position 626, G replaced by C.
Protein change: p.Ser209Thr; replaces serine 209 with threonine.
Molecular consequence: missense variant. On other transcripts: non-coding transcript variant (1), intron variant (3).
Genome position (GRCh38, 1-based): chr1:26,794,660, G>C. VCF-style: chr1-26794660-G-C. GRCh37 (hg19) VCF-style: chr1-27121151-G-C.
Other names: c.626G>C, p.Ser209Thr (NM_001202554.2, NM_001374478.1, NM_001374480.1 and 2 more transcripts); c.245G>C, p.Ser82Thr (NM_001374483.1); c.173-174G>C (NM_001374484.1, NM_001374485.1); c.79-2903G>C (NM_001374486.1); short protein forms S209T, S82T.
Identifiers: ClinVar variation 659269 (VCV000659269.7), dbSNP rs1434086651, ClinGen allele CA339200141.